The following is an entry in ClinVar:

NM_006017.3(PROM1):c.2271C>T (p.Ile757=)

Gene: PROM1 (prominin 1; minus strand). Cytogenetic location: 4p15.32.
Variant type: single nucleotide variant.
Coding change: c.2271C>T on transcript NM_006017.3 (MANE Select); coding-DNA position 2271, C replaced by T.
Protein change: p.Ile757=; no amino-acid change (isoleucine 757 retained).
Molecular consequence: synonymous variant.
Genome position (GRCh38, 1-based): chr4:15,985,769, G>A on the plus strand (C>T on the coding strand, the complement: PROM1 is on the minus strand). VCF-style: chr4-15985769-G-A. GRCh37 (hg19) VCF-style: chr4-15987392-G-A.
Other names: c.2244C>T, p.Ile748= (NM_001145847.2, NM_001145848.2, NM_001145851.2 and 4 more transcripts); c.2271C>T, p.Ile757= (NM_001145849.2, NM_001145850.2).
Identifiers: ClinVar variation 289616 (VCV000289616.21), dbSNP rs375986111, ClinGen allele CA2866459.

ClinVar aggregate classification (germline): Conflicting classifications of pathogenicity. Review status: criteria provided, conflicting classifications (1 of 4 stars). 7 submissions from 4 submitters: Uncertain significance (3); Likely benign (4). Last evaluated 2026-01-06.

Conditions:
Retinal macular dystrophy type 2 (MCDR2). Also called: Bull's eye macular dystrophy. Identifiers: Orphanet 319640, MedGen C4749334, MONDO:0011957, OMIM 608051.
Cone-rod dystrophy 12 (CORD12). Identifiers: Orphanet 1872, MedGen C2675210, MONDO:0012983, OMIM 612657.
Stargardt disease 4 (STGD4). Identifiers: Orphanet 827, MedGen C1863534, MONDO:0011370, OMIM 603786.
Retinitis pigmentosa (RP). Identifiers: Orphanet 791, MedGen C0035334, MeSH D012174, MONDO:0019200, OMIM 268000. Inheritance: Autosomal dominant, autosomal recessive and X linked inheritance.

Allele frequency attached by ClinVar (database versions not stated): gnomAD 0.00022; TOPMed 0.00024; ExAC 0.00035; gnomAD exomes 0.00036; ESP Exome Variant Server 0.00059.
gnomAD v4.1: 292 of 1,563,526 alleles (0.019%); highest among the groups gnomAD compares: Non-Finnish European, 0.0031%; 1 homozygote.

Submissions (7):

Labcorp Genetics (formerly Invitae), Labcorp
Classification: Likely benign. Last evaluated: 2026-01-06. Review status: criteria provided, single submitter. Criteria: Invitae Variant Classification Sherloc (09022015). Collection method: clinical testing. Allele origin: germline.

Blueprint Genetics
Classification: Likely benign. Last evaluated: 2023-06-13. Review status: criteria provided, single submitter. Criteria: ACMG Guidelines, 2015. Collection method: clinical testing. Allele origin: germline.

Illumina Laboratory Services, Illumina
Classification: Likely benign for Cone-rod dystrophy 12. Last evaluated: 2018-01-12. Review status: criteria provided, single submitter. Criteria: ICSL Variant Classification Criteria 13 December 2019. Collection method: clinical testing. Allele origin: germline.
Comment: This variant was observed in the ICSL laboratory as part of a predisposition screen in an ostensibly healthy population. It had not been previously curated by ICSL or reported in the Human Gene Mutation Database (HGMD: prior to June 1st, 2018), and was therefore a candidate for classification through an automated scoring system. Utilizing variant allele frequency, disease prevalence and penetrance estimates, and inheritance mode, an automated score was calculated to assess if this variant is too frequent to cause the disease. Based on the score and internal cut-off values, a variant classified as likely benign is not then subjected to further curation. The score for this variant resulted in a classification of likely benign for this disease.

Illumina Laboratory Services, Illumina
Classification: Likely benign for Stargardt disease 4. Last evaluated: 2018-01-12. Review status: criteria provided, single submitter. Criteria: ICSL Variant Classification Criteria 13 December 2019. Collection method: clinical testing. Allele origin: germline.
Comment: the same text as in the submission from Illumina Laboratory Services, Illumina above.

Illumina Laboratory Services, Illumina
Classification: Uncertain significance for Retinitis pigmentosa. Last evaluated: 2018-01-12. Review status: criteria provided, single submitter. Criteria: ICSL Variant Classification Criteria 13 December 2019. Collection method: clinical testing. Allele origin: germline.

Illumina Laboratory Services, Illumina
Classification: Uncertain significance for Retinal macular dystrophy type 2. Last evaluated: 2018-01-12. Review status: criteria provided, single submitter. Criteria: ICSL Variant Classification Criteria 13 December 2019. Collection method: clinical testing. Allele origin: germline.

Eurofins Ntd Llc (ga)
Classification: Uncertain significance. Last evaluated: 2016-08-18. Review status: criteria provided, single submitter. Criteria: EGL Classification Definitions 2015. Collection method: clinical testing. Allele origin: germline. Observed: 1 variant allele, 1 heterozygote.